The following is an entry in ClinVar:

NM_000416.3(IFNGR1):c.1402G>C (p.Val468Leu)

Gene: IFNGR1 (interferon gamma receptor 1; minus strand). Cytogenetic location: 6q23.3.
Variant type: single nucleotide variant.
Coding change: c.1402G>C on transcript NM_000416.3 (MANE Select); coding-DNA position 1402, G replaced by C.
Protein change: p.Val468Leu; replaces valine 468 with leucine.
Molecular consequence: missense variant.
Genome position (GRCh38, 1-based): chr6:137,198,099, C>G on the plus strand (G>C on the coding strand, the complement: IFNGR1 is on the minus strand). VCF-style: chr6-137198099-C-G. GRCh37 (hg19) VCF-style: chr6-137519236-C-G.
Other names: c.1279G>C, p.Val427Leu (NM_001363527.1); c.1372G>C, p.Val458Leu (NM_001363526.1); short protein forms V427L, V458L, V468L.
Identifiers: ClinVar variation 3389668 (VCV003389668.14).

ClinVar aggregate classification (germline): Uncertain significance (1 of 4 stars; one submission).

gnomAD v4.1: 1 of 1,614,166 alleles (0.000062%); no homozygotes.

Submission:

CeGaT Center for Human Genetics Tuebingen
Classification: Uncertain significance. Last evaluated: 2024-09-01. Review status: criteria provided, single submitter. Criteria: CeGaT Center For Human Genetics Tuebingen Variant Classification Criteria Version 2. Collection method: clinical testing. Allele origin: germline. Affected: yes. Observed: 1 variant allele.
Comment: IFNGR1: PM2